The following is an entry in ClinVar:

NM_001039672.3(YIF1B):c.569C>A (p.Ala190Glu)

Gene: YIF1B (Yip1 interacting factor homolog B, membrane trafficking protein; minus strand). Cytogenetic location: 19q13.2.
Variant type: single nucleotide variant.
Coding change: c.569C>A on transcript NM_001039672.3 (MANE Select); coding-DNA position 569, C replaced by A.
Protein change: p.Ala190Glu; replaces alanine 190 with glutamic acid.
Molecular consequence: missense variant.
Genome position (GRCh38, 1-based): chr19:38,307,723, G>T on the plus strand (C>A on the coding strand, the complement: YIF1B is on the minus strand). VCF-style: chr19-38307723-G-T. GRCh37 (hg19) VCF-style: chr19-38798363-G-T.
Other names: c.560C>A, p.Ala187Glu (NM_001039673.3, NM_001145463.2); c.518C>A, p.Ala173Glu (NM_001145461.2); c.476C>A, p.Ala159Glu (NM_001145462.2); c.524C>A, p.Ala175Glu (NM_001039671.3); short protein forms A159E, A173E, A175E, A187E, A190E.
Identifiers: ClinVar variation 1210525 (VCV001210525.3), dbSNP rs1039243015, ClinGen allele CA308101590.

ClinVar aggregate classification (germline): Uncertain significance (1 of 4 stars; one submission).

gnomAD v4.1: 1 of 1,613,174 alleles (0.000062%); highest among the groups gnomAD compares: Non-Finnish European, 0.000085%; no homozygotes.

Submission:

GeneDx
Classification: Uncertain significance. Last evaluated: 2020-01-21. Review status: criteria provided, single submitter. Criteria: GeneDx Variant Classification Process June 2021. Collection method: clinical testing. Allele origin: germline. Affected: yes.
Comment: In silico analysis, which includes protein predictors and evolutionary conservation, supports a deleterious effect; Has not been previously published as pathogenic or benign to our knowledge; Variants in candidate genes are classified as variants of uncertain significance in accordance with ACMG guidelines (Richards et al., 2015)